The following is an entry in ClinVar:

NM_182914.3(SYNE2):c.5159A>C (p.Glu1720Ala)

Gene: SYNE2 (spectrin repeat containing nuclear envelope protein 2; plus strand). Cytogenetic location: 14q23.2.
Variant type: single nucleotide variant.
Coding change: c.5159A>C on transcript NM_182914.3 (MANE Select); coding-DNA position 5159, A replaced by C.
Protein change: p.Glu1720Ala; replaces glutamic acid 1720 with alanine.
Molecular consequence: missense variant.
Genome position (GRCh38, 1-based): chr14:64,021,322, A>C. VCF-style: chr14-64021322-A-C. GRCh37 (hg19) VCF-style: chr14-64488040-A-C.
Other names: c.5159A>C, p.Glu1720Ala (NM_015180.6); short protein forms E1720A.
Identifiers: ClinVar variation 470977 (VCV000470977.8), dbSNP rs1013597826, ClinGen allele CA261812057.
Genomic context (GRCh38, chr14:64,021,322, plus strand): 5'-AAATCTAGTTAAATAATGACTGTTATACAACTTCATATATTTCATGATTTCAGGTCATGG[A>C]GTCCTCTATTTTGAACAAGATGGAACATGTACAGAAGTGCTTAACAGGAGAATCCAACTG-3'
Protein context (NP_878918.2, residues 1710-1730): SEIPLELQVM[Glu1720Ala]SSILNKMEHV

ClinVar aggregate classification (germline): Uncertain significance (1 of 4 stars; one submission).

Conditions:
Emery-Dreifuss muscular dystrophy 5, autosomal dominant (EDMD5). Also called: EMERY-DREIFUSS MUSCULAR DYSTROPHY 5. Identifiers: Orphanet 261, MedGen C2751805, MONDO:0013072, OMIM 612999.

Allele frequency attached by ClinVar (database versions not stated): gnomAD exomes below 0.00001 and 0.00001; TOPMed 0.00001; gnomAD 0.00003.
gnomAD v4.1: 22 of 1,613,252 alleles (0.0014%); highest among the groups gnomAD compares: Non-Finnish European, 0.0019%; no homozygotes.

Submission:

Labcorp Genetics (formerly Invitae), Labcorp
Classification: Uncertain significance for Emery-Dreifuss muscular dystrophy 5, autosomal dominant. Last evaluated: 2024-01-15. Review status: criteria provided, single submitter. Criteria: Invitae Variant Classification Sherloc (09022015). Collection method: clinical testing. Allele origin: germline.
Comment: This sequence change replaces glutamic acid, which is acidic and polar, with alanine, which is neutral and non-polar, at codon 1720 of the SYNE2 protein (p.Glu1720Ala). This variant is present in population databases (no rsID available, gnomAD 0.002%). This variant has not been reported in the literature in individuals affected with SYNE2-related conditions. ClinVar contains an entry for this variant (Variation ID: 470977). An algorithm developed to predict the effect of missense changes on protein structure and function (PolyPhen-2) suggests that this variant is likely to be disruptive. In summary, the available evidence is currently insufficient to determine the role of this variant in disease. Therefore, it has been classified as a Variant of Uncertain Significance.